The following is an entry in ClinVar:

NM_000350.3(ABCA4):c.4057C>T (p.Gln1353Ter)

Gene: ABCA4 (ATP binding cassette subfamily A member 4; minus strand). Cytogenetic location: 1p22.1.
Variant type: single nucleotide variant.
Coding change: c.4057C>T on transcript NM_000350.3 (MANE Select); coding-DNA position 4057, C replaced by T.
Protein change: p.Gln1353Ter; replaces glutamine 1353 with a stop codon.
Molecular consequence: nonsense.
Genome position (GRCh38, 1-based): chr1:94,031,849, G>A on the plus strand (C>T on the coding strand, the complement: ABCA4 is on the minus strand). VCF-style: chr1-94031849-G-A. GRCh37 (hg19) VCF-style: chr1-94497405-G-A.
Other names: c.4057C>T (NM_000350.2); c.3835C>T, p.Gln1279Ter (NM_001425324.1); short protein forms Q1353*, Q1279*.
Identifiers: ClinVar variation 1376410 (VCV001376410.8), dbSNP rs2101036893, ClinGen allele CA341287038.

ClinVar aggregate classification (germline): Pathogenic/Likely pathogenic. Review status: criteria provided, multiple submitters, no conflicts (2 of 4 stars). 3 submissions from 3 submitters: Pathogenic (1); Likely pathogenic (2). Last evaluated 2025-05-08.

Conditions:
ABCA4-related disorder. Also called: ABCA4-related disorders; ABCA4-related condition. Identifiers: MedGen CN239167.

Submissions (3):

PreventionGenetics, part of Exact Sciences
Classification: Likely pathogenic for ABCA4-related condition. Last evaluated: 2025-05-08. Review status: criteria provided, single submitter. Criteria: ACMG Guidelines, 2015. Collection method: clinical testing. Allele origin: germline.
Comment: The ABCA4 c.4057C>T variant is predicted to result in premature protein termination (p.Gln1353*). To our knowledge, this variant has not been previously reported in the literature in association with disease. This variant has not been reported in a large population database (gnomAD), indicating this variant is rare. Nonsense variants in ABCA4 are expected to be pathogenic. This variant is interpreted as likely pathogenic.

Labcorp Genetics (formerly Invitae), Labcorp
Classification: Pathogenic. Last evaluated: 2024-01-16. Review status: criteria provided, single submitter. Criteria: Invitae Variant Classification Sherloc (09022015). Collection method: clinical testing. Allele origin: germline.
Comment: This sequence change creates a premature translational stop signal (p.Gln1353*) in the ABCA4 gene. It is expected to result in an absent or disrupted protein product. Loss-of-function variants in ABCA4 are known to be pathogenic (PMID: 10958761, 24938718, 25312043, 26780318). This variant is not present in population databases (gnomAD no frequency). This variant has not been reported in the literature in individuals affected with ABCA4-related conditions. ClinVar contains an entry for this variant (Variation ID: 1376410). For these reasons, this variant has been classified as Pathogenic.

Blueprint Genetics
Classification: Likely pathogenic for ABCA4-related disorders. Last evaluated: 2022-10-14. Review status: criteria provided, single submitter. Criteria: ACMG Guidelines, 2015. Collection method: clinical testing. Allele origin: germline. Affected: yes. Observed: 2 variant alleles.

Literature cited by the submitters: PubMed 10958761 (cited by Labcorp Genetics (formerly Invitae), Labcorp); PubMed 24938718 (cited by Labcorp Genetics (formerly Invitae), Labcorp); PubMed 25312043 (cited by Labcorp Genetics (formerly Invitae), Labcorp); PubMed 26780318 (cited by Labcorp Genetics (formerly Invitae), Labcorp).